The following is an entry in ClinVar:

NM_004004.6(GJB2):c.194A>G (p.Tyr65Cys)

Gene: GJB2 (gap junction protein beta 2; minus strand). Cytogenetic location: 13q12.11.
Variant type: single nucleotide variant.
Coding change: c.194A>G on transcript NM_004004.6 (MANE Select); coding-DNA position 194, A replaced by G.
Protein change: p.Tyr65Cys; replaces tyrosine 65 with cysteine.
Molecular consequence: missense variant.
Genome position (GRCh38, 1-based): chr13:20,189,388, T>C on the plus strand (A>G on the coding strand, the complement: GJB2 is on the minus strand). VCF-style: chr13-20189388-T-C. GRCh37 (hg19) VCF-style: chr13-20763527-T-C.
Other names: short protein forms Y65C.
Identifiers: ClinVar variation 44727 (VCV000044727.18), dbSNP rs111033203, ClinGen allele CA261639.

ClinVar aggregate classification (germline): Conflicting classifications of pathogenicity. Review status: criteria provided, conflicting classifications (1 of 4 stars). 8 submissions from 8 submitters: Pathogenic (1); Likely pathogenic (3); Uncertain significance (2). 2 of the submissions do not count toward it. Last evaluated 2026-04-10.

Conditions:
Rare genetic deafness. Identifiers: Orphanet 96210, MedGen C5680250.
GJB2-related disorder. Also called: GJB2-related condition; GJB2-related disorders. Identifiers: MedGen CN382183, MONDO:1060236.
Ichthyosis, hystrix-like, with hearing loss. Also called: Hystrix-like ichthyosis with deafness. Identifiers: Orphanet 477, MedGen C1865234, MONDO:0011245.
Palmoplantar keratoderma-deafness syndrome. Also called: Keratoderma palmoplantar, with deafness; Palmoplantar keratoderma and sensorineural deafness; Hereditary palmoplantar keratoderma with deafness (subtype); Focal palmoplantar keratoderma with sensorineural deafness (subtype); Diffuse palmoplantar keratoderma with deafness (subtype). Identifiers: Orphanet 2202, MedGen C1835672, MONDO:0007852, OMIM 148350.
Knuckle pads, deafness AND leukonychia syndrome. Also called: Bart-Pumphrey syndrome. Identifiers: Orphanet 2698, MedGen C0266004, MONDO:0007866, OMIM 149200.
Mutilating keratoderma (VOWNKL). Also called: Keratoderma hereditarium mutilans. Identifiers: Orphanet 494, MedGen C0265964, MONDO:0007422, OMIM 124500.
Autosomal recessive nonsyndromic hearing loss 1A (DFNB1A). Also called: Connexin 26 deafness; Deafness nonsyndromic, Connexin 26 linked; GJB6-Related DFNB 1 Nonsyndromic Hearing Loss and Deafness; Deafness, autosomal recessive 1A; Nonsyndromic Hearing Loss and Deafness, DFNB1; GJB2-Related Autosomal Recessive Nonsyndromic Hearing Loss. Identifiers: Orphanet 90636, MedGen C2673759, MONDO:0009076, OMIM 220290.
Autosomal dominant keratitis-ichthyosis-hearing loss syndrome. Also called: Senter syndrome; KID SYNDROME, AUTOSOMAL DOMINANT; HID SYNDROME. Identifiers: Orphanet 477, MedGen C0265336, MONDO:0007850, OMIM 148210.
Autosomal dominant nonsyndromic hearing loss 3A. Identifiers: Orphanet 90635, MedGen C2675750, MONDO:0011103, OMIM 601544.

Allele frequency attached by ClinVar (database versions not stated): TOPMed 0.00001; gnomAD exomes 0.00001 and 0.00003; gnomAD 0.00002.

Submissions (8):

Women's Health and Genetics/Laboratory Corporation of America, LabCorp
Classification: Uncertain significance. Last evaluated: 2026-04-10. Review status: criteria provided, single submitter. Criteria: LabCorp Variant Classification Summary - May 2015. Collection method: clinical testing. Allele origin: germline.
Comment: Variant summary: GJB2 c.194A>G (p.Tyr65Cys) results in a non-conservative amino acid change located in the Connexin, N-terminal (IPR013092) of the encoded protein sequence. Algorithms developed to predict the effect of missense changes on protein structure and function all suggest that this variant is likely to be disruptive. The variant allele was found at a frequency of 8e-06 in 251324 control chromosomes. c.194A>G has been observed in a compound heterozygous genotype in at least two individuals affected with autosomal recessive Non-Syndromic deafness (Shen_2019, Kriukelis_2025, internal data). It has also been observed with an unclear zygosity or in the presumed compound heterozygous state in other individuals with clinical features of GJB2-related deafness without strong evidence for causality (confounding syndromic phenotypes outside the spectrum of known GJB2-related conditions, co-occurring CMV infection during neonatal period, unilateral presentation) (example, Kriukelis_2025, Tayoun_2015, Xiang_2023, internal data). These data indicate that the variant may be associated with disease. To our knowledge, no experimental evidence demonstrating an impact on protein function has been reported. The following publications have been ascertained in the context of this evaluation (PMID: 38486023, 31160754, 26444186, 36048236, 25388846, 34308104). ClinVar contains an entry for this variant (Variation ID: 44727). Based on the evidence outlined above, the variant was classified as VUS-possibly pathogenic.

Labcorp Genetics (formerly Invitae), Labcorp
Classification: Uncertain significance. Last evaluated: 2026-01-20. Review status: criteria provided, single submitter. Criteria: Invitae Variant Classification Sherloc (09022015). Collection method: clinical testing. Allele origin: germline.
Comment: This sequence change replaces tyrosine, which is neutral and polar, with cysteine, which is neutral and slightly polar, at codon 65 of the GJB2 protein (p.Tyr65Cys). This variant is present in population databases (rs111033203, gnomAD 0.005%). This missense change has been observed in individual(s) with GJB2-related conditions (PMID: 26444186, 31160754). ClinVar contains an entry for this variant (Variation ID: 44727). Invitae Evidence Modeling of protein sequence and biophysical properties (such as structural, functional, and spatial information, amino acid conservation, physicochemical variation, residue mobility, and thermodynamic stability) indicates that this missense variant is expected to disrupt GJB2 protein function with a positive predictive value of 95%. In summary, the available evidence is currently insufficient to determine the role of this variant in disease. Therefore, it has been classified as a Variant of Uncertain Significance.

GeneDx
Classification: Likely pathogenic. Last evaluated: 2025-08-14. Review status: criteria provided, single submitter. Criteria: GeneDx Variant Classification Process June 2021. Collection method: clinical testing. Allele origin: germline. Affected: yes.
Comment: In silico analysis supports that this missense variant has a deleterious effect on protein structure/function; This variant is associated with the following publications: (PMID: 25388846, 26444186, 36048236, 31160754, 34308104, 38486023)

Fulgent Genetics
Classification: Likely pathogenic for Mutilating keratoderma; Autosomal dominant keratitis-ichthyosis-hearing loss syndrome; Palmoplantar keratoderma-deafness syndrome; Knuckle pads, deafness AND leukonychia syndrome; Autosomal recessive nonsyndromic hearing loss 1A; Autosomal dominant nonsyndromic hearing loss 3A. Last evaluated: 2024-04-02. Review status: criteria provided, single submitter. Criteria: ACMG Guidelines, 2015. Collection method: clinical testing. Allele origin: germline.

Integrating Genomics into Medicine, Frazer Institute, University Of Queensland
Classification: Likely pathogenic for Autosomal recessive nonsyndromic hearing loss 1A. Last evaluated: 2023-06-02. Review status: criteria provided, single submitter. Criteria: ACMG Guidelines, 2015. Collection method: clinical testing. Allele origin: germline. Affected: yes.

Blueprint Genetics
Classification: Pathogenic for GJB2-related disorders. Last evaluated: 2022-07-26. Review status: criteria provided, single submitter. Criteria: ACMG Guidelines, 2015. Collection method: clinical testing. Allele origin: germline. Affected: yes. Observed: 4 variant alleles.

Natera, Inc.
Classification: Likely pathogenic for Autosomal recessive deafness type 1A. Last evaluated: 2021-03-11. Review status: no assertion criteria provided. Collection method: clinical testing. Allele origin: germline. Not counted in ClinVar's aggregate classification.

Laboratory for Molecular Medicine, Mass General Brigham Personalized Medicine
Classification: Likely pathogenic for Rare genetic deafness. Last evaluated: 2006-10-28. Review status: no assertion criteria provided. Collection method: clinical testing. Allele origin: germline. Observed: 2 variant alleles. Not counted in ClinVar's aggregate classification.

Literature cited by the submitters: PubMed 25388846 (cited by Women's Health and Genetics/Laboratory Corporation of America, LabCorp); PubMed 31160754 (cited by Women's Health and Genetics/Laboratory Corporation of America, LabCorp and Labcorp Genetics (formerly Invitae), Labcorp); PubMed 26444186 (cited by Women's Health and Genetics/Laboratory Corporation of America, LabCorp and Labcorp Genetics (formerly Invitae), Labcorp); PubMed 34308104 (cited by Women's Health and Genetics/Laboratory Corporation of America, LabCorp); PubMed 36048236 (cited by Women's Health and Genetics/Laboratory Corporation of America, LabCorp); PubMed 38486023 (cited by Women's Health and Genetics/Laboratory Corporation of America, LabCorp).